The following is an entry in ClinVar:

ClinVar aggregate classification (germline): Uncertain significance (1 of 4 stars; one submission).

gnomAD v4.1: 1 of 1,613,960 alleles (0.000062%); highest among the groups gnomAD compares: Non-Finnish European, 0.000085%; no homozygotes.

Submission:

Ambry Genetics
Classification: Uncertain significance. Last evaluated: 2024-03-13. Review status: criteria provided, single submitter. Criteria: Ambry Variant Classification Scheme 2023. Collection method: clinical testing. Allele origin: germline.
Comment: The p.P940R variant (also known as c.2819C>G), located in coding exon 25 of the KIF1B gene, results from a C to G substitution at nucleotide position 2819. The proline at codon 940 is replaced by arginine, an amino acid with dissimilar properties. This amino acid position is conserved. In addition, the in silico prediction for this alteration is inconclusive. Since supporting evidence is limited at this time, the clinical significance of this alteration remains unclear.

NM_001365951.3(KIF1B):c.2957C>G (p.Pro986Arg)

Gene: KIF1B (kinesin family member 1B; plus strand). Cytogenetic location: 1p36.22.
Variant type: single nucleotide variant.
Coding change: c.2957C>G on transcript NM_001365951.3 (MANE Select); coding-DNA position 2957, C replaced by G.
Protein change: p.Pro986Arg; replaces proline 986 with arginine.
Molecular consequence: missense variant.
Genome position (GRCh38, 1-based): chr1:10,334,552, C>G. VCF-style: chr1-10334552-C-G. GRCh37 (hg19) VCF-style: chr1-10394610-C-G.
Other names: c.2957C>G, p.Pro986Arg (NM_001365952.1); c.2819C>G, p.Pro940Arg (NM_015074.3); short protein forms P940R, P986R.
Identifiers: ClinVar variation 1796403 (VCV001796403.2), dbSNP rs988518687, ClinGen allele CA338338636.